The following is an entry in ClinVar:

ClinVar aggregate classification (germline): Conflicting classifications of pathogenicity. Review status: criteria provided, conflicting classifications (1 of 4 stars). 5 submissions from 5 submitters: Uncertain significance (3); Likely benign (2). Last evaluated 2025-04-09.

Conditions:
TTN-related disorder. Also called: TTN-related disorders; TTN-related condition; TTN-related disease.

Allele frequency attached by ClinVar (database versions not stated): gnomAD exomes 0.00003 and 0.00002; ExAC 0.00007; gnomAD 0.00005.
gnomAD v4.1: 49 of 1,611,972 alleles (0.003%); highest among the groups gnomAD compares: East Asian, 0.0067%; no homozygotes.

Submissions (5):

Molecular Diagnostic Laboratory for Inherited Cardiovascular Disease, Montreal Heart Institute
Classification: Likely benign. Last evaluated: 2025-04-09. Review status: criteria provided, single submitter. Criteria: ACMG Guidelines, 2015. Collection method: clinical testing. Allele origin: germline. Affected: no.

Women's Health and Genetics/Laboratory Corporation of America, LabCorp
Classification: Uncertain significance. Last evaluated: 2024-03-01. Review status: criteria provided, single submitter. Criteria: LabCorp Variant Classification Summary - May 2015. Collection method: clinical testing. Allele origin: germline.
Comment: Variant summary: TTN c.31928T>C (p.Val10643Ala) results in a non-conservative amino acid change located in the I-band region of the encoded protein sequence. Two of three in-silico tools predict a damaging effect of the variant on protein function. The variant allele was found at a frequency of 2.4e-05 in 248836 control chromosomes. The available data on variant occurrences in the general population are insufficient to allow any conclusion about variant significance. To our knowledge, no occurrence of c.31928T>C in individuals affected with Limb-Girdle Muscular Dystrophy, Type 2J and no experimental evidence demonstrating its impact on protein function have been reported. ClinVar contains an entry for this variant (Variation ID: 96283). Based on the evidence outlined above, the variant was classified as uncertain significance.

PreventionGenetics, part of Exact Sciences
Classification: Uncertain significance for TTN-related condition. Last evaluated: 2023-05-12. Review status: criteria provided, single submitter. Criteria: ACMG Guidelines, 2015. Collection method: clinical testing. Allele origin: germline.
Comment: The TTN c.39230T>C variant is predicted to result in the amino acid substitution p.Val13077Ala. To our knowledge, this variant has not been reported in the literature. This variant is reported in 0.010% of alleles in individuals of East Asian descent in gnomAD. At this time, the clinical significance of this variant is uncertain due to the absence of conclusive functional and genetic evidence.

GeneDx
Classification: Likely benign. Last evaluated: 2019-05-23. Review status: criteria provided, single submitter. Criteria: GeneDx Variant Classification Process June 2021. Collection method: clinical testing. Allele origin: germline. Affected: yes.

Eurofins Ntd Llc (ga)
Classification: Uncertain significance. Last evaluated: 2013-09-04. Review status: criteria provided, single submitter. Criteria: EGL Classification Definitions 2015. Collection method: clinical testing. Allele origin: germline. Observed: 2 variant alleles, 2 heterozygotes.

NM_001267550.2(TTN):c.39230T>C (p.Val13077Ala)

Gene: TTN (titin; minus strand). Cytogenetic location: 2q31.2.
Variant type: single nucleotide variant.
Coding change: c.39230T>C on transcript NM_001267550.2 (MANE Select); coding-DNA position 39230, T replaced by C.
Protein change: p.Val13077Ala; replaces valine 13077 with alanine.
Molecular consequence: missense variant. On other transcripts: intron variant (3).
Genome position (GRCh38, 1-based): chr2:178,652,161, A>G on the plus strand (T>C on the coding strand, the complement: TTN is on the minus strand). VCF-style: chr2-178652161-A-G. GRCh37 (hg19) VCF-style: chr2-179516888-A-G.
Other names: c.31928T>C, p.Val10643Ala (NM_133378.4); c.34709T>C, p.Val11570Ala (NM_001256850.1); c.13283-9844T>C (NM_003319.4); c.13859-9844T>C (NM_133437.4); c.13658-9844T>C (NM_133432.3); short protein forms V13077A, V11570A.
Identifiers: ClinVar variation 96283 (VCV000096283.12), dbSNP rs398124449, ClinGen allele CA223931.
Genomic context (GRCh38, chr2:178,652,161, plus strand): 5'-GGGGGAGGACTTTCCGGTTTGGGAGGAATAGCTTCAGGCACCTTCTTTTCTGGGACAGCT[A>G]CCTTTGGCACCTCTGGGACTTTAAAAGATATTATTATTTTCATTGTTAGACAAAGTAAAG-3'
Protein context (NP_001254479.2, residues 13067-13087): PPTKVPEVPK[Val13077Ala]AVPEKKVPEA